The following is an entry in ClinVar:

NM_000020.3(ACVRL1):c.974C>G (p.Ala325Gly)

Gene: ACVRL1 (activin A receptor like type 1; plus strand). Cytogenetic location: 12q13.13.
Variant type: single nucleotide variant.
Coding change: c.974C>G on transcript NM_000020.3 (MANE Select); coding-DNA position 974, C replaced by G.
Protein change: p.Ala325Gly; replaces alanine 325 with glycine.
Molecular consequence: missense variant.
Genome position (GRCh38, 1-based): chr12:51,915,426, C>G. VCF-style: chr12-51915426-C-G. GRCh37 (hg19) VCF-style: chr12-52309210-C-G.
Other names: c.662C>G, p.Ala221Gly (NM_001406493.1, NM_001406494.1, NM_001406490.1 and 2 more transcripts); c.974C>G, p.Ala325Gly (NM_001406489.1, NM_001077401.2, NM_001406487.1 and 1 more transcripts); c.410C>G, p.Ala137Gly (NM_001406495.1); short protein forms A137G, A221G, A325G.
Identifiers: ClinVar variation 1976668 (VCV001976668.2), dbSNP rs2540164714, ClinGen allele CA384901397.

ClinVar aggregate classification (germline): Uncertain significance (1 of 4 stars; one submission).

Conditions:
Telangiectasia, hereditary hemorrhagic, type 2 (HHT2). Also called: ACVRL1-Related Hereditary Hemorrhagic Telangiectasia; Telangiectasia, hereditary hemorrhagic, type II. Identifiers: Orphanet 774, MedGen C1838163, MONDO:0010880, OMIM 600376. Disease mechanism: loss of function.

Submission:

Labcorp Genetics (formerly Invitae), Labcorp
Classification: Uncertain significance for Telangiectasia, hereditary hemorrhagic, type 2. Last evaluated: 2021-10-24. Review status: criteria provided, single submitter. Criteria: Invitae Variant Classification Sherloc (09022015). Collection method: clinical testing. Allele origin: germline.
Comment: This sequence change replaces alanine with glycine at codon 325 of the ACVRL1 protein (p.Ala325Gly). The alanine residue is highly conserved and there is a small physicochemical difference between alanine and glycine. This variant is not present in population databases (ExAC no frequency). This variant has not been reported in the literature in individuals affected with ACVRL1-related conditions. Algorithms developed to predict the effect of missense changes on protein structure and function (SIFT, PolyPhen-2, Align-GVGD) all suggest that this variant is likely to be disruptive. In summary, the available evidence is currently insufficient to determine the role of this variant in disease. Therefore, it has been classified as a Variant of Uncertain Significance.